The following is an entry in ClinVar:

ClinVar aggregate classification (germline): Uncertain significance (1 of 4 stars; one submission).

Conditions:
Dyskeratosis congenita, autosomal recessive 5 (DKCB5). Identifiers: MedGen C3554656, MONDO:0014076, OMIM 615190.
Pulmonary fibrosis and/or bone marrow failure, Telomere-related, 3. Also called: PULMONARY FIBROSIS AND/OR BONE MARROW FAILURE SYNDROME, TELOMERE-RELATED, 3. Identifiers: Orphanet 2032, MedGen C4225346, MONDO:0014613, OMIM 616373.

Allele frequency attached by ClinVar (database versions not stated): TOPMed 0.00003; gnomAD exomes 0.00001 and below 0.00001; ExAC 0.00001; gnomAD 0.00003; ESP Exome Variant Server 0.00008.
gnomAD v4.1: 7 of 1,612,528 alleles (0.00043%); highest among the groups gnomAD compares: African/African-American, 0.0093%; no homozygotes.

Submission:

Labcorp Genetics (formerly Invitae), Labcorp
Classification: Uncertain significance for Dyskeratosis congenita, autosomal recessive 5; Pulmonary fibrosis and/or bone marrow failure, Telomere-related, 3. Last evaluated: 2025-10-14. Review status: criteria provided, single submitter. Criteria: Invitae Variant Classification Sherloc (09022015). Collection method: clinical testing. Allele origin: germline.
Comment: This sequence change replaces proline, which is neutral and non-polar, with alanine, which is neutral and non-polar, at codon 409 of the RTEL1 protein (p.Pro409Ala). This variant is present in population databases (rs371603433, gnomAD 0.01%). This variant has not been reported in the literature in individuals affected with RTEL1-related conditions. ClinVar contains an entry for this variant (Variation ID: 1477396). An algorithm developed to predict the effect of missense changes on protein structure and function outputs the following: PolyPhen-2: "Benign". The alanine amino acid residue is found in multiple mammalian species, which suggests that this missense change does not adversely affect protein function. In summary, the available evidence is currently insufficient to determine the role of this variant in disease. Therefore, it has been classified as a Variant of Uncertain Significance.

NM_001283009.2(RTEL1):c.1225C>G (p.Pro409Ala)

Genes: RTEL1 (regulator of telomere elongation helicase 1; plus strand), RTEL1-TNFRSF6B (RTEL1-TNFRSF6B readthrough (NMD candidate); plus strand). Cytogenetic location: 20q13.33.
Variant type: single nucleotide variant.
Coding change: c.1225C>G on transcript NM_001283009.2 (MANE Select); coding-DNA position 1225, C replaced by G.
Protein change: p.Pro409Ala; replaces proline 409 with alanine.
Molecular consequence: missense variant. On other transcripts: non-coding transcript variant (1).
Genome position (GRCh38, 1-based): chr20:63,685,556, C>G. VCF-style: chr20-63685556-C-G. GRCh37 (hg19) VCF-style: chr20-62316909-C-G.
Other names: c.556C>G, p.Pro186Ala (NM_001283010.1); c.1225C>G, p.Pro409Ala (NM_016434.4); c.1297C>G, p.Pro433Ala (NM_032957.5); short protein forms P409A, P186A, P433A.
Identifiers: ClinVar variation 1477396 (VCV001477396.6), dbSNP rs371603433, ClinGen allele CA9964679.
Genomic context (GRCh38, chr20:63,685,556, plus strand): 5'-CGGGGCTGCACTTCCTCTGCCTTTCAGATTGTGTTCAGTGTGGACCCCTCCGAGGGCAGC[C>G]CTGGTTCCCCAGCAGGGCTGGGGGCCTTACAGTCCTATAAGGTAGGGGCCACCTCCAGGA-3'
Protein context (NP_001269938.1, residues 399-419): VFSVDPSEGS[Pro409Ala]GSPAGLGALQ